The following is an entry in ClinVar:

NM_020738.4(KIDINS220):c.1732A>T (p.Met578Leu)

Gene: KIDINS220 (kinase D interacting substrate 220; minus strand). Cytogenetic location: 2p25.1.
Variant type: single nucleotide variant.
Coding change: c.1732A>T on transcript NM_020738.4 (MANE Select); coding-DNA position 1732, A replaced by T.
Protein change: p.Met578Leu; replaces methionine 578 with leucine.
Molecular consequence: missense variant. On other transcripts: non-coding transcript variant (2).
Genome position (GRCh38, 1-based): chr2:8,788,702, T>A on the plus strand (A>T on the coding strand, the complement: KIDINS220 is on the minus strand). VCF-style: chr2-8788702-T-A. GRCh37 (hg19) VCF-style: chr2-8928832-T-A.
Other names: c.1735A>T, p.Met579Leu (NM_001348729.2, NM_001348731.2, NM_001348734.2 and 3 more transcripts); c.1732A>T, p.Met578Leu (NM_001348732.2, NM_001348735.2, NM_001348738.2 and 3 more transcripts); c.1606A>T, p.Met536Leu (NM_001348736.2); short protein forms M536L, M578L, M579L.
Identifiers: ClinVar variation 3352493 (VCV003352493.1).

ClinVar aggregate classification (germline): Uncertain significance (0 of 4 stars; one submission).

Conditions:
KIDINS220-related disorder. Also called: KIDINS220-related condition.

gnomAD v4.1: 5 of 1,614,098 alleles (0.00031%); highest among the groups gnomAD compares: African/African-American, 0.0067%; no homozygotes.

Submission:

PreventionGenetics, part of Exact Sciences
Classification: Uncertain significance for KIDINS220-related condition. Last evaluated: 2024-06-25. Review status: no assertion criteria provided. Collection method: clinical testing. Allele origin: germline.
Comment: The KIDINS220 c.1732A>T variant is predicted to result in the amino acid substitution p.Met578Leu. To our knowledge, this variant has not been reported in the literature. This variant is reported in 0.019% of alleles in individuals of African descent in gnomAD. At this time, the clinical significance of this variant is uncertain due to the absence of conclusive functional and genetic evidence.